The following is an entry in ClinVar:

ClinVar aggregate classification (germline): Likely benign (1 of 4 stars; one submission).

Submission:

CeGaT Center for Human Genetics Tuebingen
Classification: Likely benign. Last evaluated: 2023-02-01. Review status: criteria provided, single submitter. Criteria: CeGaT Center For Human Genetics Tuebingen Variant Classification Criteria Version 2. Collection method: clinical testing. Allele origin: germline. Affected: yes. Observed: 1 variant allele.
Comment: SOS1: BS1

NM_005633.4(SOS1):c.*400_*401insCAA

Gene: SOS1 (SOS Ras/Rac guanine nucleotide exchange factor 1; minus strand). Cytogenetic location: 2p22.1.
Variant type: Insertion.
Coding change: c.*400_*401insCAA on transcript NM_005633.4 (MANE Select); 400 bases downstream of the stop codon through 401 bases downstream of the stop codon, CAA inserted.
Molecular consequence: 3 prime UTR variant.
Genome position: GRCh38 VCF-style: chr2-38985423-T-TTTG. GRCh37 (hg19) VCF-style: chr2-39212564-T-TTTG.
Other names: c.*400_*401insCAA (NM_001382394.1, NM_001382395.1).
Identifiers: ClinVar variation 2650844 (VCV002650844.24), dbSNP rs35821774, ClinGen allele CA45673297.